The following is an entry in ClinVar:

ClinVar aggregate classification (germline): Uncertain significance (1 of 4 stars; one submission).

Submission:

Ambry Genetics
Classification: Uncertain significance. Last evaluated: 2023-03-11. Review status: criteria provided, single submitter. Criteria: Ambry Variant Classification Scheme 2023. Collection method: clinical testing. Allele origin: germline.
Comment: The p.R857L variant (also known as c.2570G>T), located in coding exon 16 of the POLQ gene, results from a G to T substitution at nucleotide position 2570. The arginine at codon 857 is replaced by leucine, an amino acid with dissimilar properties. This amino acid position is conserved. In addition, this alteration is predicted to be tolerated by in silico analysis. Since supporting evidence is limited at this time, the clinical significance of this alteration remains unclear.

NM_199420.4(POLQ):c.2570G>T (p.Arg857Leu)

Gene: POLQ (DNA polymerase theta; minus strand). Cytogenetic location: 3q13.33.
Variant type: single nucleotide variant.
Coding change: c.2570G>T on transcript NM_199420.4 (MANE Select); coding-DNA position 2570, G replaced by T.
Protein change: p.Arg857Leu; replaces arginine 857 with leucine.
Molecular consequence: missense variant.
Genome position (GRCh38, 1-based): chr3:121,490,361, C>A on the plus strand (G>T on the coding strand, the complement: POLQ is on the minus strand). VCF-style: chr3-121490361-C-A. GRCh37 (hg19) VCF-style: chr3-121209208-C-A.
Other names: short protein forms R857L.
Identifiers: ClinVar variation 2497177 (VCV002497177.2), dbSNP rs751166841, ClinGen allele CA354105849.